The following is an entry in ClinVar:

ClinVar aggregate classification (germline): Uncertain significance. Review status: criteria provided, multiple submitters, no conflicts (2 of 4 stars). 2 submissions from 2 submitters: Uncertain significance (2). Last evaluated 2023-11-21.

Conditions:
Inborn genetic diseases. Identifiers: MedGen C0950123, MeSH D030342.

Allele frequency attached by ClinVar (database versions not stated): gnomAD 0.00001; gnomAD exomes 0.00001 and 0.00002; ExAC 0.00003; TOPMed 0.00005.
gnomAD v4.1: 19 of 1,611,232 alleles (0.0012%); highest among the groups gnomAD compares: East Asian, 0.042%; no homozygotes.

Submissions (2):

Ambry Genetics
Classification: Uncertain significance for Inborn genetic diseases. Last evaluated: 2023-11-21. Review status: criteria provided, single submitter. Criteria: Ambry Variant Classification Scheme 2023. Collection method: clinical testing. Allele origin: germline.

GeneDx
Classification: Uncertain significance. Last evaluated: 2020-10-19. Review status: criteria provided, single submitter. Criteria: GeneDx Variant Classification Process June 2021. Collection method: clinical testing. Allele origin: germline. Affected: yes.
Comment: In silico analysis supports that this missense variant has a deleterious effect on protein structure/function; Has not been previously published as pathogenic or benign to our knowledge

NM_001382347.1(MYO5A):c.2828A>G (p.Tyr943Cys)

Gene: MYO5A (myosin VA; minus strand). Cytogenetic location: 15q21.2.
Variant type: single nucleotide variant.
Coding change: c.2828A>G on transcript NM_001382347.1 (MANE Select); coding-DNA position 2828, A replaced by G.
Protein change: p.Tyr943Cys; replaces tyrosine 943 with cysteine.
Molecular consequence: missense variant.
Genome position (GRCh38, 1-based): chr15:52,370,407, T>C on the plus strand (A>G on the coding strand, the complement: MYO5A is on the minus strand). VCF-style: chr15-52370407-T-C. GRCh37 (hg19) VCF-style: chr15-52662604-T-C.
Other names: c.2828A>G, p.Tyr943Cys (NM_000259.3, NM_001142495.2); c.2900A>G, p.Tyr967Cys (NM_001382348.1, NM_001382349.1); short protein forms Y943C, Y967C.
Identifiers: ClinVar variation 1313470 (VCV001313470.3), dbSNP rs758644334, ClinGen allele CA7568581.